The following is an entry in ClinVar:

NM_001352027.3(PHF21A):c.1370C>T (p.Pro457Leu)

Gene: PHF21A (PHD finger protein 21A; minus strand). Cytogenetic location: 11p11.2.
Variant type: single nucleotide variant.
Coding change: c.1370C>T on transcript NM_001352027.3 (MANE Select); coding-DNA position 1370, C replaced by T.
Protein change: p.Pro457Leu; replaces proline 457 with leucine.
Molecular consequence: missense variant. On other transcripts: non-coding transcript variant (1), intron variant (6).
Genome position (GRCh38, 1-based): chr11:45,945,922, G>A on the plus strand (C>T on the coding strand, the complement: PHF21A is on the minus strand). VCF-style: chr11-45945922-G-A. GRCh37 (hg19) VCF-style: chr11-45967473-G-A.
Other names: c.1367C>T, p.Pro456Leu (NM_001101802.3); c.1370C>T, p.Pro457Leu (NM_001352025.3, NM_001352026.3); c.1308+154C>T (NM_001352030.3, NM_001352031.3, NM_001352032.3); c.1311+154C>T (NM_016621.5, NM_001352028.1, NM_001352029.1); c.1370C>T (NM_001352025.1); short protein forms P456L, P457L.
Identifiers: ClinVar variation 3306141 (VCV003306141.2).
Genomic context (GRCh38, chr11:45,945,922, plus strand): 5'-AGGGACACAGGCTGAACAGGTGCAGGGAAAGTGAATGTGGTCTCTGTCTTTTCATTTTCA[G>A]GGGAGTCAGGATGACTGGATTGGGGGGATGTTGGGGTAAGGGCTCCAAACCCCAGCACTG-3'
Protein context (NP_001338956.1, residues 447-467): TSPQSSHPDS[Pro457Leu]ENEKTETTFT

ClinVar aggregate classification (germline): Uncertain significance. Review status: criteria provided, multiple submitters, no conflicts (2 of 4 stars). 2 submissions from 2 submitters: Uncertain significance (2). Last evaluated 2025-10-09.

Conditions:
PHF21A-related disorder. Also called: PHF21A-related condition.
Inborn genetic diseases. Identifiers: MedGen C0950123, MeSH D030342.

gnomAD v4.1: 1 of 1,612,850 alleles (0.000062%); highest among the groups gnomAD compares: African/African-American, 0.0013%; no homozygotes.

Submissions (2):

PreventionGenetics, part of Exact Sciences
Classification: Uncertain significance for PHF21A-related condition. Last evaluated: 2025-10-09. Review status: criteria provided, single submitter. Criteria: ACMG Guidelines, 2015. Collection method: clinical testing. Allele origin: germline.
Comment: The PHF21A c.1370C>T variant is predicted to result in the amino acid substitution p.Pro457Leu. To our knowledge, this variant has not been reported in the literature or in a large population database (gnomAD), indicating this variant is rare. At this time, the clinical significance of this variant is uncertain due to the absence of conclusive functional and genetic evidence.

Ambry Genetics
Classification: Uncertain significance for Inborn genetic diseases. Last evaluated: 2024-05-20. Review status: criteria provided, single submitter. Criteria: Ambry Variant Classification Scheme 2023. Collection method: clinical testing. Allele origin: germline.